The following is an entry in ClinVar:

NM_001927.4(DES):c.735+6C>T

Gene: DES (desmin; plus strand). Cytogenetic location: 2q35.
Variant type: single nucleotide variant.
Coding change: c.735+6C>T on transcript NM_001927.4 (MANE Select); 6 bases into the intron after coding-DNA position 735, C replaced by T.
Molecular consequence: intron variant.
Genome position (GRCh38, 1-based): chr2:219,420,352, C>T. VCF-style: chr2-219420352-C-T. GRCh37 (hg19) VCF-style: chr2-220285074-C-T.
Other names: c.735+6C>T (NM_001382712.1, NM_001382711.1, NM_001382710.1 and 1 more transcripts); c.732+6C>T (NM_001382708.1); c.496-173C>T (NM_001382713.1).
Identifiers: ClinVar variation 944086 (VCV000944086.9), dbSNP rs1302528006, ClinGen allele CA764965404.

ClinVar aggregate classification (germline): Uncertain significance (1 of 4 stars; one submission).

Conditions:
Desmin-related myofibrillar myopathy (MFM1). Also called: MYOFIBRILLAR MYOPATHY WITH ARRHYTHMOGENIC RIGHT VENTRICULAR CARDIOMYOPATHY; DESMIN-RELATED MYOPATHY WITH ARRHYTHMOGENIC RIGHT VENTRICULAR CARDIOMYOPATHY; Myofibrillar myopathy 1; Desminopathy; Desmin related myopathy (former name); Desmin storage myopathy (former name). Identifiers: Orphanet 363543, Orphanet 98909, MedGen C1832370, MONDO:0011076, OMIM 601419.

Allele frequency attached by ClinVar (database versions not stated): TOPMed below 0.00001.
gnomAD v4.1: 3 of 1,613,722 alleles (0.00019%); highest among the groups gnomAD compares: South Asian, 0.0011%; no homozygotes.

Submission:

Labcorp Genetics (formerly Invitae), Labcorp
Classification: Uncertain significance for Desmin-related myofibrillar myopathy. Last evaluated: 2022-03-03. Review status: criteria provided, single submitter. Criteria: Invitae Variant Classification Sherloc (09022015). Collection method: clinical testing. Allele origin: germline.
Comment: This sequence change falls in intron 3 of the DES gene. It does not directly change the encoded amino acid sequence of the DES protein. It affects a nucleotide within the consensus splice site. This variant is not present in population databases (gnomAD no frequency). This variant has not been reported in the literature in individuals affected with DES-related conditions. ClinVar contains an entry for this variant (Variation ID: 944086). Variants that disrupt the consensus splice site are a relatively common cause of aberrant splicing (PMID: 17576681, 9536098). Algorithms developed to predict the effect of sequence changes on RNA splicing suggest that this variant is not likely to affect RNA splicing. In summary, the available evidence is currently insufficient to determine the role of this variant in disease. Therefore, it has been classified as a Variant of Uncertain Significance.

Literature cited by the submitters: PubMed 17576681; PubMed 9536098.